The following is an entry in ClinVar:

ClinVar aggregate classification (germline): Uncertain significance. Review status: criteria provided, multiple submitters, no conflicts (2 of 4 stars). 6 submissions from 6 submitters: Uncertain significance (4). 2 of the submissions do not count toward it. Last evaluated 2024-06-11.

Conditions:
RPGRIP1L-related disorder. Also called: RPGRIP1L-related condition; RPGRIP1L-related disorders. Identifiers: MedGen CN239416.
Joubert syndrome. Also called: Familial aplasia of the vermis; JOUBERT-BOLTSHAUSER SYNDROME. Identifiers: Orphanet 475, MedGen C5979921, MONDO:0018772.
Meckel syndrome, type 5 (MKS5). Identifiers: Orphanet 564, MedGen C1969052, MONDO:0012695, OMIM 611561.
Joubert syndrome 7 (JBTS7). Identifiers: Orphanet 220497, MedGen C1969053, MONDO:0012694, OMIM 611560.
COACH syndrome 3. Identifiers: MedGen C5436841, MONDO:0030862, OMIM 619113.
Inborn genetic diseases. Identifiers: MedGen C0950123, MeSH D030342.
Meckel-Gruber syndrome. Also called: DYSENCEPHALIA SPLANCHNOCYSTICA; GRUBER SYNDROME; Dysencephalia splachnocystica. Identifiers: Orphanet 564, MedGen C0265215, MONDO:0018921.

Allele frequency attached by ClinVar (database versions not stated): TOPMed 0.00007; ESP Exome Variant Server 0.00008; gnomAD exomes 0.00001; ExAC 0.00002; gnomAD 0.00006.
gnomAD v4.1: 22 of 1,613,974 alleles (0.0014%); highest among the groups gnomAD compares: African/African-American, 0.011%; no homozygotes.

Submissions (6):

Fulgent Genetics
Classification: Uncertain significance for Joubert syndrome 7; Meckel syndrome, type 5; COACH syndrome 3. Last evaluated: 2024-06-11. Review status: criteria provided, single submitter. Criteria: ACMG Guidelines, 2015. Collection method: clinical testing. Allele origin: germline.

Labcorp Genetics (formerly Invitae), Labcorp
Classification: Uncertain significance for Joubert syndrome; Meckel-Gruber syndrome. Last evaluated: 2024-04-24. Review status: criteria provided, single submitter. Criteria: Invitae Variant Classification Sherloc (09022015). Collection method: clinical testing. Allele origin: germline.
Comment: This sequence change replaces aspartic acid, which is acidic and polar, with asparagine, which is neutral and polar, at codon 1278 of the RPGRIP1L protein (p.Asp1278Asn). This variant is present in population databases (rs370655253, gnomAD 0.02%). This variant has not been reported in the literature in individuals affected with RPGRIP1L-related conditions. ClinVar contains an entry for this variant (Variation ID: 596490). An algorithm developed to predict the effect of missense changes on protein structure and function (PolyPhen-2) suggests that this variant¬¨‚Ä†is likely to be tolerated. In summary, the available evidence is currently insufficient to determine the role of this variant in disease. Therefore, it has been classified as a Variant of Uncertain Significance.

Ambry Genetics
Classification: Uncertain significance for Inborn genetic diseases. Last evaluated: 2021-09-17. Review status: criteria provided, single submitter. Criteria: Ambry Variant Classification Scheme 2023. Collection method: clinical testing. Allele origin: germline.

Eurofins Ntd Llc (ga)
Classification: Uncertain significance. Last evaluated: 2018-04-03. Review status: criteria provided, single submitter. Criteria: EGL ClinVar v180209 classification definitions. Collection method: clinical testing. Allele origin: germline. Observed: 1 variant allele, 1 heterozygote.

PreventionGenetics, part of Exact Sciences
Classification: Uncertain significance for RPGRIP1L-related condition. Last evaluated: 2024-06-06. Review status: no assertion criteria provided. Collection method: clinical testing. Allele origin: germline. Not counted in ClinVar's aggregate classification.
Comment: The RPGRIP1L c.3832G>A variant is predicted to result in the amino acid substitution p.Asp1278Asn. To our knowledge, this variant has not been reported in the literature. This variant is reported in 0.016% of alleles in individuals of African descent in gnomAD. At this time, the clinical significance of this variant is uncertain due to the absence of conclusive functional and genetic evidence.

Natera, Inc.
Classification: Uncertain significance for Joubert syndrome. Last evaluated: 2020-09-23. Review status: no assertion criteria provided. Collection method: clinical testing. Allele origin: germline. Not counted in ClinVar's aggregate classification.

NM_015272.5(RPGRIP1L):c.3832G>A (p.Asp1278Asn)

Gene: RPGRIP1L (RPGRIP1 like; minus strand). Cytogenetic location: 16q12.2.
Variant type: single nucleotide variant.
Coding change: c.3832G>A on transcript NM_015272.5 (MANE Select); coding-DNA position 3832, G replaced by A.
Protein change: p.Asp1278Asn; replaces aspartic acid 1278 with asparagine.
Molecular consequence: missense variant.
Genome position (GRCh38, 1-based): chr16:53,605,484, C>T on the plus strand (G>A on the coding strand, the complement: RPGRIP1L is on the minus strand). VCF-style: chr16-53605484-C-T. GRCh37 (hg19) VCF-style: chr16-53639396-C-T.
Other names: c.3592G>A, p.Asp1198Asn (NM_001127897.4); c.3694G>A, p.Asp1232Asn (NM_001308334.3); c.3730G>A, p.Asp1244Asn (NM_001330538.2); c.3832G>A (NM_015272.4); short protein forms D1198N, D1278N, D1232N, D1244N.
Identifiers: ClinVar variation 596490 (VCV000596490.13), dbSNP rs370655253, ClinGen allele CA8057170.